The following is an entry in ClinVar:

NM_000289.6(PFKM):c.716G>A (p.Trp239Ter)

Gene: PFKM (phosphofructokinase, muscle; plus strand). Cytogenetic location: 12q13.11.
Variant type: single nucleotide variant.
Coding change: c.716G>A on transcript NM_000289.6 (MANE Select); coding-DNA position 716, G replaced by A.
Protein change: p.Trp239Ter; replaces tryptophan 239 with a stop codon.
Molecular consequence: nonsense. On other transcripts: non-coding transcript variant (6).
Genome position (GRCh38, 1-based): chr12:48,134,798, G>A. VCF-style: chr12-48134798-G-A. GRCh37 (hg19) VCF-style: chr12-48528581-G-A.
Other names: c.716G>A, p.Trp239Ter (NM_001166688.2, NM_001354742.2, NM_001166687.2 and 4 more transcripts); c.1025G>A, p.Trp342Ter (NM_001354735.1, NM_001354736.1); c.929G>A, p.Trp310Ter (NM_001354737.1, NM_001354738.1, NM_001354739.1 and 2 more transcripts); c.860G>A, p.Trp287Ter (NM_001354740.1); c.740G>A, p.Trp247Ter (NM_001354741.2); c.629G>A, p.Trp210Ter (NM_001354745.2); c.566G>A, p.Trp189Ter (NM_001354747.2, NM_001354748.2); short protein forms W189*, W342*, W310*, W239*, W247*, W287*, W210*.
Identifiers: ClinVar variation 5005107 (VCV005005107.2).
Genomic context (GRCh38, chr12:48,134,798, plus strand): 5'-CCTCTCTGTCCTGTGGGGCCGACTGGGTTTTTATTCCTGAATGTCCACCAGATGACGACT[G>A]GGAGGAACACCTTTGTCGCCGACTCAGCGAGGTACTTGCACTTTATTTTGCCCTTAAGAA-3'

ClinVar aggregate classification (germline): Likely pathogenic (1 of 4 stars; one submission).

Conditions:
Glycogen storage disease, type VII (GSD7). Also called: PFKM DEFICIENCY; TARUI DISEASE; GSD VII; MUSCLE PHOSPHOFRUCTOKINASE DEFICIENCY. Identifiers: Orphanet 371, MedGen C0017926, MONDO:0009295, OMIM 232800.

gnomAD v4.1: 1 of 1,613,850 alleles (0.000062%); highest among the groups gnomAD compares: Admixed American, 0.0017%; no homozygotes.

Submission:

Juno Genomics, Hangzhou Juno Genomics, Inc
Classification: Likely pathogenic for Glycogen storage disease, type VII. Review status: criteria provided, single submitter. Criteria: ACMG Guidelines, 2015. Collection method: clinical testing. Allele origin: germline.
Comment: Null variant in a gene where loss of function (LOF) is a known mechanism of disease.;Absent from controls (or at extremely low frequency if recessive) in Genome Aggregation Database.